The following is an entry in ClinVar:

ClinVar aggregate classification (germline): Likely benign (1 of 4 stars; one submission).

Conditions:
LRRC45-related disorder. Also called: LRRC45-related condition.

gnomAD v4.1: 3 of 1,549,264 alleles (0.00019%); highest among the groups gnomAD compares: Admixed American, 0.0039%; no homozygotes.

Submission:

PreventionGenetics, part of Exact Sciences
Classification: Likely benign for LRRC45-related condition. Last evaluated: 2025-09-16. Review status: criteria provided, single submitter. Criteria: ACMG Guidelines, 2015. Collection method: clinical testing. Allele origin: germline.
Comment: This variant is classified as likely benign based on ACMG/AMP sequence variant interpretation guidelines (Richards et al. 2015 PMID: 25741868, with internal and published modifications).

NM_144999.4(LRRC45):c.1674G>A (p.Leu558=)

Gene: LRRC45 (leucine rich repeat containing 45; plus strand). Cytogenetic location: 17q25.3.
Variant type: single nucleotide variant.
Coding change: c.1674G>A on transcript NM_144999.4 (MANE Select); coding-DNA position 1674, G replaced by A.
Protein change: p.Leu558=; no amino-acid change (leucine 558 retained).
Molecular consequence: synonymous variant.
Genome position (GRCh38, 1-based): chr17:82,030,324, G>A. VCF-style: chr17-82030324-G-A. GRCh37 (hg19) VCF-style: chr17-79988200-G-A.
Identifiers: ClinVar variation 4978792 (VCV004978792.1).